The following is an entry in ClinVar:

NM_032043.3(BRIP1):c.3136_3137del (p.Val1046fs)

Gene: BRIP1 (BRCA1 interacting DNA helicase 1; minus strand). Cytogenetic location: 17q23.2.
Variant type: Deletion.
Coding change: c.3136_3137del on transcript NM_032043.3 (MANE Select); coding-DNA positions 3136 to 3137, 2 bases deleted (GT; older notation c.3136_3137delGT).
Protein change: p.Val1046fs; shifts the reading frame from valine 1046.
Molecular consequence: frameshift variant.
Genome position (GRCh38, 1-based): chr17:61,683,909-61,683,910, AC deleted on the plus strand (GT on the coding strand, the reverse complement: BRIP1 is on the minus strand); deleting any 2 consecutive bases within chr17:61,683,909-61,683,911 gives the same sequence; the c. name uses the placement nearest the transcript's 3' end. VCF-style (leftmost placement, unchanged base first): chr17-61683908-AAC-A. GRCh37 (hg19) VCF-style: chr17-59761269-AAC-A.
Other names: short protein forms V1046fs.
Identifiers: ClinVar variation 2942119 (VCV002942119.3), dbSNP rs2544559904, ClinGen allele CA2740093833.

ClinVar aggregate classification (germline): Likely pathogenic (1 of 4 stars; one submission).

Conditions:
Fanconi anemia complementation group J. Also called: BRIP1-Related Fanconi Anemia. Identifiers: Orphanet 84, MedGen C1836860, MONDO:0012187, OMIM 609054.
Familial cancer of breast. Also called: BREAST CANCER, FAMILIAL; Hereditary breast cancer; hereditary breast carcinoma. Identifiers: Orphanet 227535, MedGen C0346153, MONDO:0016419, OMIM 114480. Disease mechanism: loss of function.

Submission:

Labcorp Genetics (formerly Invitae), Labcorp
Classification: Likely pathogenic for Familial cancer of breast; Fanconi anemia complementation group J. Last evaluated: 2023-05-31. Review status: criteria provided, single submitter. Criteria: Invitae Variant Classification Sherloc (09022015). Collection method: clinical testing. Allele origin: germline.
Comment: In summary, the currently available evidence indicates that the variant is pathogenic, but additional data are needed to prove that conclusively. Therefore, this variant has been classified as Likely Pathogenic. This variant disrupts the TopBP1-binding region of the BRIP1 protein, which plays a critical role in RPA chromatin loading and the activation of the replication checkpoint in response to DNA damage (PMID: 20159562, 21127055). While functional studies have not been performed to directly test the effect of this variant on BRIP1 protein function, this suggests that disruption of this region of the protein is causative of disease. This variant has not been reported in the literature in individuals affected with BRIP1-related conditions. This variant is not present in population databases (gnomAD no frequency). This sequence change creates a premature translational stop signal (p.Val1046Phefs*5) in the BRIP1 gene. While this is not anticipated to result in nonsense mediated decay, it is expected to disrupt the last 204 amino acid(s) of the BRIP1 protein.

Literature cited by the submitters: PubMed 20159562; PubMed 21127055.